The following is an entry in ClinVar:

ClinVar aggregate classification (germline): Uncertain significance (1 of 4 stars; one submission).

gnomAD v4.1: 1 of 1,613,820 alleles (0.000062%); highest among the groups gnomAD compares: Non-Finnish European, 0.000085%; no homozygotes.

Submission:

Ambry Genetics
Classification: Uncertain significance. Last evaluated: 2025-03-01. Review status: criteria provided, single submitter. Criteria: Ambry Variant Classification Scheme 2023. Collection method: clinical testing. Allele origin: germline.
Comment: The p.F606S variant (also known as c.1817T>C), located in coding exon 13 of the GEN1 gene, results from a T to C substitution at nucleotide position 1817. The phenylalanine at codon 606 is replaced by serine, an amino acid with highly dissimilar properties. This amino acid position is conserved. In addition, this alteration is predicted to be tolerated by in silico analysis. Based on the available evidence, the clinical significance of this variant remains unclear.

NM_001130009.3(GEN1):c.1817T>C (p.Phe606Ser)

Gene: GEN1 (GEN1 Holliday junction 5' flap endonuclease; plus strand). Cytogenetic location: 2p24.2.
Variant type: single nucleotide variant.
Coding change: c.1817T>C on transcript NM_001130009.3 (MANE Select); coding-DNA position 1817, T replaced by C.
Protein change: p.Phe606Ser; replaces phenylalanine 606 with serine.
Molecular consequence: missense variant.
Genome position (GRCh38, 1-based): chr2:17,781,029, T>C. VCF-style: chr2-17781029-T-C. GRCh37 (hg19) VCF-style: chr2-17962296-T-C.
Other names: c.1817T>C, p.Phe606Ser (NM_182625.5); short protein forms F606S.
Identifiers: ClinVar variation 3853606 (VCV003853606.1).